The following is an entry in ClinVar:

NM_000038.6(APC):c.1784del (p.Leu595fs)

Gene: APC (APC regulator of Wnt signaling pathway; plus strand). Cytogenetic location: 5q22.2.
Variant type: Deletion.
Coding change: c.1784del on transcript NM_000038.6 (MANE Select); coding-DNA position 1784, one base deleted (T; older notation c.1784delT).
Protein change: p.Leu595fs; shifts the reading frame from leucine 595.
Molecular consequence: frameshift variant.
Genome position (GRCh38, 1-based): chr5:112,834,991, T deleted; the last of 3 consecutive T bases (chr5:112,834,989-112,834,991); deleting any one gives the same sequence. VCF-style (leftmost placement, unchanged base first): chr5-112834988-AT-A. GRCh37 (hg19) VCF-style: chr5-112170685-AT-A.
Other names: c.1784del, p.Leu595fs (NM_001127510.3, NM_001354895.2); c.1730del, p.Leu577fs (NM_001127511.3); c.1838del, p.Leu613fs (NM_001354896.2); c.1814del, p.Leu605fs (NM_001354897.2); c.1709del, p.Leu570fs (NM_001354898.2); c.1700del, p.Leu567fs (NM_001354899.2); c.1661del, p.Leu554fs (NM_001354900.2); c.1607del, p.Leu536fs (NM_001354901.2); and 16 more; short protein forms L494fs, L536fs, L567fs, L613fs, L312fs, L435fs, L469fs, L570fs.
Identifiers: ClinVar variation 2180408 (VCV002180408.4), dbSNP rs2533333601, ClinGen allele CA2580072468.
Genomic context (GRCh38, chr5:112,834,988, plus strand): 5'-ACCCATATTCTGTTTCTTACTAGGAATCAACCCTCAAAAGCGTATTGAGTGCCTTATGGA[AT>A]TTGTCAGCACATTGCACTGAGAATAAAGCTGATATATGTGCTGTAGATGGTGCACTTGCA-3'

ClinVar aggregate classification (germline): Pathogenic (1 of 4 stars; one submission).

Conditions:
Familial adenomatous polyposis 1 (FAP1). Also called: POLYPOSIS, ADENOMATOUS INTESTINAL; FAMILIAL ADENOMATOUS POLYPOSIS 1, ATTENUATED. Identifiers: MedGen C2713442, MONDO:0021056, OMIM 175100. Disease mechanism: loss of function.

Submission:

Labcorp Genetics (formerly Invitae), Labcorp
Classification: Pathogenic for Familial adenomatous polyposis 1. Last evaluated: 2022-04-16. Review status: criteria provided, single submitter. Criteria: Invitae Variant Classification Sherloc (09022015). Collection method: clinical testing. Allele origin: germline.
Comment: This variant has not been reported in the literature in individuals affected with APC-related conditions. This sequence change creates a premature translational stop signal (p.Leu595Cysfs*15) in the APC gene. It is expected to result in an absent or disrupted protein product. Loss-of-function variants in APC are known to be pathogenic (PMID: 17963004, 20685668). This variant is not present in population databases (gnomAD no frequency). For these reasons, this variant has been classified as Pathogenic.

Literature cited by the submitters: PubMed 17963004; PubMed 20685668.